The following is an entry in ClinVar:

NM_001349798.2(FBXW7):c.1573G>A (p.Val525Met)

Gene: FBXW7 (F-box and WD repeat domain containing 7; minus strand). Cytogenetic location: 4q31.3.
Variant type: single nucleotide variant.
Coding change: c.1573G>A on transcript NM_001349798.2 (MANE Select); coding-DNA position 1573, G replaced by A.
Protein change: p.Val525Met; replaces valine 525 with methionine.
Molecular consequence: missense variant.
Genome position (GRCh38, 1-based): chr4:152,326,077, C>T on the plus strand (G>A on the coding strand, the complement: FBXW7 is on the minus strand). VCF-style: chr4-152326077-C-T. GRCh37 (hg19) VCF-style: chr4-153247229-C-T.
Other names: c.1219G>A, p.Val407Met (NM_001013415.2); c.1333G>A, p.Val445Met (NM_018315.5); c.1573G>A, p.Val525Met (NM_033632.3); short protein forms V407M, V445M, V525M.
Identifiers: ClinVar variation 3373628 (VCV003373628.1).

ClinVar aggregate classification (germline): Uncertain significance (1 of 4 stars; one submission).

Submission:

GeneDx
Classification: Uncertain significance. Last evaluated: 2024-03-08. Review status: criteria provided, single submitter. Criteria: GeneDx Variant Classification Process June 2021. Collection method: clinical testing. Allele origin: germline. Affected: yes.
Comment: Not observed at significant frequency in large population cohorts (gnomAD); In silico analysis supports that this missense variant has a deleterious effect on protein structure/function; Has not been previously published as pathogenic or benign to our knowledge